The following is an entry in ClinVar:

NM_001037131.3(AGAP1):c.929A>G (p.Gln310Arg)

Gene: AGAP1 (ArfGAP with GTPase domain, ankyrin repeat and PH domain 1; plus strand). Cytogenetic location: 2q37.2.
Variant type: single nucleotide variant.
Coding change: c.929A>G on transcript NM_001037131.3 (MANE Select); coding-DNA position 929, A replaced by G.
Protein change: p.Gln310Arg; replaces glutamine 310 with arginine.
Molecular consequence: missense variant.
Genome position (GRCh38, 1-based): chr2:235,799,494, A>G. VCF-style: chr2-235799494-A-G. GRCh37 (hg19) VCF-style: chr2-236708138-A-G.
Other names: c.929A>G, p.Gln310Arg (NM_001244888.2, NM_001412122.1, NM_014914.5); c.929A>G (NM_001037131.2); short protein forms Q310R.
Identifiers: ClinVar variation 2139886 (VCV002139886.5), dbSNP rs141716710, ClinGen allele CA2184619.

ClinVar aggregate classification (germline): Uncertain significance. Review status: criteria provided, multiple submitters, no conflicts (2 of 4 stars). 2 submissions from 2 submitters: Uncertain significance (2). Last evaluated 2024-03-08.

Allele frequency attached by ClinVar (database versions not stated): ExAC 0.00006; ESP Exome Variant Server 0.00008.
gnomAD v4.1: 170 of 1,614,102 alleles (0.011%); highest among the groups gnomAD compares: Admixed American, 0.027%; no homozygotes.

Submissions (2):

Ambry Genetics
Classification: Uncertain significance. Last evaluated: 2024-03-08. Review status: criteria provided, single submitter. Criteria: Ambry Variant Classification Scheme 2023. Collection method: clinical testing. Allele origin: germline.

Labcorp Genetics (formerly Invitae), Labcorp
Classification: Uncertain significance. Last evaluated: 2023-03-01. Review status: criteria provided, single submitter. Criteria: Invitae Variant Classification Sherloc (09022015). Collection method: clinical testing. Allele origin: germline.
Comment: In summary, the available evidence is currently insufficient to determine the role of this variant in disease. Therefore, it has been classified as a Variant of Uncertain Significance. An algorithm developed to predict the effect of missense changes on protein structure and function (PolyPhen-2) suggests that this variant is likely to be tolerated. ClinVar contains an entry for this variant (Variation ID: 2139886). This variant has not been reported in the literature in individuals affected with AGAP1-related conditions. This variant is present in population databases (rs141716710, gnomAD 0.01%). This sequence change replaces glutamine, which is neutral and polar, with arginine, which is basic and polar, at codon 310 of the AGAP1 protein (p.Gln310Arg).